The following is an entry in ClinVar:

NM_001303457.2(TTI1):c.63C>T (p.Leu21=)

Gene: TTI1 (TELO2 interacting protein 1; minus strand). Cytogenetic location: 20q11.23.
Variant type: single nucleotide variant.
Coding change: c.63C>T on transcript NM_001303457.2 (MANE Select); coding-DNA position 63, C replaced by T.
Protein change: p.Leu21=; no amino-acid change (leucine 21 retained).
Molecular consequence: synonymous variant.
Genome position (GRCh38, 1-based): chr20:38,013,754, G>A on the plus strand (C>T on the coding strand, the complement: TTI1 is on the minus strand). VCF-style: chr20-38013754-G-A. GRCh37 (hg19) VCF-style: chr20-36642156-G-A.
Other names: c.63C>T, p.Leu21= (NM_014657.3).
Identifiers: ClinVar variation 5039579 (VCV005039579.1).

ClinVar aggregate classification (germline): Likely benign (1 of 4 stars; one submission).

gnomAD v4.1: 211 of 1,614,138 alleles (0.013%); highest among the groups gnomAD compares: Admixed American, 0.35%; no homozygotes.

Submission:

CeGaT Center for Human Genetics Tuebingen
Classification: Likely benign. Last evaluated: 2026-09-01. Review status: criteria provided, single submitter. Criteria: CeGaT Center For Human Genetics Tuebingen Variant Classification Criteria Version 2. Collection method: clinical testing. Allele origin: germline. Affected: yes. Observed: 2 variant alleles.
Comment: TTI1: BP4, BP7